The following is an entry in ClinVar:

ClinVar aggregate classification (germline): Likely pathogenic (1 of 4 stars; one submission).

Conditions:
Holocarboxylase synthetase deficiency. Also called: MULTIPLE CARBOXYLASE DEFICIENCY, EARLY ONSET. Identifiers: Orphanet 79242, MedGen C0268581, MONDO:0009666, OMIM 253270.

gnomAD v4.1: 2 of 1,614,056 alleles (0.00012%); highest among the groups gnomAD compares: Non-Finnish European, 0.00017%; no homozygotes.

Submission:

Natera, Inc.
Classification: Likely pathogenic for Holocarboxylase synthetase deficiency. Last evaluated: 2025-03-07. Review status: criteria provided, single submitter. Criteria: Natera Variant Classification Schema (03/2026). Collection method: clinical testing. Allele origin: germline.
Comment: The c.874C>T variant in HLCS is a nonsense variant predicted to introduce a stop codon at amino acid 292. This variant is expected to result in nonsense mediated decay, truncation, or a dysfunctional protein product. This variant is rare in the general population with a frequency below the threshold expected for the associated phenotype(s). Given the available evidence, this variant is classified as Likely Pathogenic.

NM_001352514.2(HLCS):c.1315C>T (p.Gln439Ter)

Gene: HLCS (holocarboxylase synthetase; minus strand). Cytogenetic location: 21q22.13.
Variant type: single nucleotide variant.
Coding change: c.1315C>T on transcript NM_001352514.2 (MANE Select); coding-DNA position 1315, C replaced by T.
Protein change: p.Gln439Ter; replaces glutamine 439 with a stop codon.
Molecular consequence: nonsense. On other transcripts: non-coding transcript variant (2).
Genome position (GRCh38, 1-based): chr21:36,936,571, G>A on the plus strand (C>T on the coding strand, the complement: HLCS is on the minus strand). VCF-style: chr21-36936571-G-A. GRCh37 (hg19) VCF-style: chr21-38308871-G-A.
Other names: c.874C>T, p.Gln292Ter (NM_000411.8, NM_001242784.3, NM_001242785.2 and 4 more transcripts); short protein forms Q292*, Q439*.
Identifiers: ClinVar variation 4818334 (VCV004818334.1).